The following is an entry in ClinVar:

NM_021619.3(PRDM12):c.2T>C (p.Met1Thr)

Gene: PRDM12 (PR/SET domain 12; plus strand). Cytogenetic location: 9q34.12.
Variant type: single nucleotide variant.
Coding change: c.2T>C on transcript NM_021619.3 (MANE Select); coding-DNA position 2, T replaced by C.
Protein change: p.Met1Thr; changes the start codon (methionine 1).
Molecular consequence: missense variant, initiator codon variant.
Genome position (GRCh38, 1-based): chr9:130,664,655, T>C. VCF-style: chr9-130664655-T-C. GRCh37 (hg19) VCF-style: chr9-133540042-T-C.
Other names: short protein forms M1T.
Identifiers: ClinVar variation 2513661 (VCV002513661.3), dbSNP rs756311654, ClinGen allele CA5284444.
Genomic context (GRCh38, chr9:130,664,655, plus strand): 5'-CCGCCCACCTCCCCCGTCGGCCCGGCCGTCCCCCGGCGCCGGGGAGCTCCGGGCCGCCCA[T>C]GATGGGCTCCGTGCTCCCGGCTGAGGCCCTGGTGCTCAAGACCGGGCTGAAGGCGCCGGG-3'
Protein context (NP_067632.2, residues 1-11): [Met1Thr]MGSVLPAEAL

ClinVar aggregate classification (germline): Uncertain significance (1 of 4 stars; one submission).

Conditions:
Inborn genetic diseases. Identifiers: MedGen C0950123, MeSH D030342.

Allele frequency attached by ClinVar (database versions not stated): gnomAD 0.00002; TOPMed 0.00002.

Submission:

Ambry Genetics
Classification: Uncertain significance for Inborn genetic diseases. Last evaluated: 2023-04-27. Review status: criteria provided, single submitter. Criteria: Ambry Variant Classification Scheme 2023. Collection method: clinical testing. Allele origin: germline.
Comment: The c.2T>C (p.M1?) alteration is located in coding exon 1 of the PRDM12 gene and consists of a T to C substitution at nucleotide position 2. This alters the methionine residue at the initiation codon (ATG). Variations that modify the initiation codon (ATG) are expected to result in either loss of translation initiation, N-terminal truncation, or cause a shift in the mRNA reading frame; however, there is an in-frame methionine one amino acid from the initiation site, which may result in N-terminal truncation of unknown functional significance. Based on data from gnomAD, the C allele has an overall frequency of 0.001% (1/199754) total alleles studied. The highest observed frequency was 0.001% (1/86632) of European (non-Finnish) alleles. This amino acid position is well conserved in available vertebrate species. Based on insufficient or conflicting evidence, the clinical significance of this alteration remains unclear.